The following is an entry in ClinVar:

NM_001256071.3(RNF213):c.7946G>A (p.Arg2649Lys)

Gene: RNF213 (ring finger protein 213; plus strand). Cytogenetic location: 17q25.3.
Variant type: single nucleotide variant.
Coding change: c.7946G>A on transcript NM_001256071.3 (MANE Select); coding-DNA position 7946, G replaced by A.
Protein change: p.Arg2649Lys; replaces arginine 2649 with lysine.
Molecular consequence: missense variant.
Genome position (GRCh38, 1-based): chr17:80,346,281, G>A. VCF-style: chr17-80346281-G-A. GRCh37 (hg19) VCF-style: chr17-78320081-G-A.
Other names: c.8093G>A, p.Arg2698Lys (NM_001410195.1, NM_020914.5); short protein forms R2649K, R2698K.
Identifiers: ClinVar variation 4779484 (VCV004779484.1).

ClinVar aggregate classification (germline): Uncertain significance (1 of 4 stars; one submission).

gnomAD v4.1: 1 of 1,614,144 alleles (0.000062%); highest among the groups gnomAD compares: African/African-American, 0.0013%; no homozygotes.

Submission:

Labcorp Genetics (formerly Invitae), Labcorp
Classification: Uncertain significance. Last evaluated: 2025-06-13. Review status: criteria provided, single submitter. Criteria: Invitae Variant Classification Sherloc (09022015). Collection method: clinical testing. Allele origin: germline.
Comment: This sequence change replaces arginine, which is basic and polar, with lysine, which is basic and polar, at codon 2649 of the RNF213 protein (p.Arg2649Lys). This variant is not present in population databases (gnomAD no frequency). This variant has not been reported in the literature in individuals affected with RNF213-related conditions. Invitae Evidence Modeling of protein sequence and biophysical properties (such as structural, functional, and spatial information, amino acid conservation, physicochemical variation, residue mobility, and thermodynamic stability) indicates that this missense variant is not expected to disrupt RNF213 protein function with a negative predictive value of 95%. In summary, the available evidence is currently insufficient to determine the role of this variant in disease. Therefore, it has been classified as a Variant of Uncertain Significance.